The following is an entry in ClinVar:

ClinVar aggregate classification (germline): Uncertain significance (1 of 4 stars; one submission).

Conditions:
POLD1-related polyposis and colorectal cancer syndrome (CRCS10). Also called: Colorectal cancer 10; COLORECTAL CANCER, SUSCEPTIBILITY TO, ON CHROMOSOME 19q; Colorectal cancer, susceptibility to, 10. Identifiers: Orphanet 220460, MedGen C2675481, MONDO:0012953, OMIM 612591.

Submission:

Labcorp Genetics (formerly Invitae), Labcorp
Classification: Uncertain significance for Colorectal cancer 10. Last evaluated: 2018-02-21. Review status: criteria provided, single submitter. Criteria: Invitae Variant Classification Sherloc (09022015). Collection method: clinical testing. Allele origin: germline.
Comment: This variant is a gross deletion of the genomic region encompassing exons 2-3 of the POLD1 gene, which includes the initiator codon. An alternate in-frame methionine downstream of the initiator codon is located at codon 161. The 5' end of this event is unknown as it extends beyond the assayed region for this gene and therefore may encompass additional genes. The 3' boundary is likely confined to intron 3 of the POLD1 gene. This is expected to result in an absent or disrupted protein product. Deletions of POLD1 exons 2-3 have not been reported in the literature in individuals with POLD1-related disease. Missense variants that disrupt the 3'-5' exonuclease (proof-reading) activity of the POLD1 protein, while not abolishing its polymerase enzyme activity, are associated with an increased risk for colonic adenomatous polyps and colon cancer (PMID: 23263490, 23447401). Loss-of-function truncating variants, which result in an absent or severely disrupted POLD1 protein, are therefore unlikely to be associated with disease. Without further clinical and genetic evidence, however, this variant has been classified as a Variant of Uncertain Significance.

Literature cited by the submitters: PubMed 23447401; PubMed 23263490.

NC_000019.10:g.(?_50398846)_(50399490_?)del

Gene: POLD1 (DNA polymerase delta 1, catalytic subunit; plus strand). Cytogenetic location: 19q13.33.
Variant type: Deletion.
Identifiers: ClinVar variation 469167 (VCV000469167.1).